The following is an entry in ClinVar:

NM_006231.4(POLE):c.5412G>A (p.Lys1804=)

Gene: POLE (DNA polymerase epsilon, catalytic subunit; minus strand). Cytogenetic location: 12q24.33.
Variant type: single nucleotide variant.
Coding change: c.5412G>A on transcript NM_006231.4 (MANE Select); coding-DNA position 5412, G replaced by A.
Protein change: p.Lys1804=; no amino-acid change (lysine 1804 retained).
Molecular consequence: synonymous variant.
Genome position (GRCh38, 1-based): chr12:132,639,265, C>T on the plus strand (G>A on the coding strand, the complement: POLE is on the minus strand). VCF-style: chr12-132639265-C-T. GRCh37 (hg19) VCF-style: chr12-133215851-C-T.
Identifiers: ClinVar variation 387054 (VCV000387054.49), dbSNP rs144218410, ClinGen allele CA6892525.

ClinVar aggregate classification (germline): Likely benign. Review status: criteria provided, multiple submitters, no conflicts (2 of 4 stars). 9 submissions from 9 submitters: Likely benign (8). 1 of the submissions does not count toward it. Last evaluated 2026-01-28.

Conditions:
Polymerase proofreading-related adenomatous polyposis. Also called: Polymerase proofreading associated polyposis; Polymerase proofreading–associated polyposis (PPAP). Identifiers: Orphanet 447877, MedGen C5202613, MONDO:0018653.
Familial colorectal cancer type X. Identifiers: Orphanet 440437, MedGen C3896578, MONDO:0018604.
POLE-related disorder. Also called: POLE-related condition; POLE-related disorders.
Hereditary cancer-predisposing syndrome. Also called: Neoplastic Syndromes, Hereditary; Hereditary neoplastic syndrome; Tumor predisposition; Hereditary Cancer Syndrome. Identifiers: Orphanet 140162, MedGen C0027672, MeSH D009386, MONDO:0015356.

Allele frequency attached by ClinVar (database versions not stated): gnomAD exomes 0.00002 and 0.00008; ExAC 0.00003; gnomAD 0.00004 and 0.00005; TOPMed 0.00007; ESP Exome Variant Server 0.00015.

Submissions (9):

Labcorp Genetics (formerly Invitae), Labcorp
Classification: Likely benign. Last evaluated: 2026-01-28. Review status: criteria provided, single submitter. Criteria: Invitae Variant Classification Sherloc (09022015). Collection method: clinical testing. Allele origin: germline.

Center for Genomic Medicine, Rigshospitalet, Copenhagen University Hospital
Classification: Likely benign. Last evaluated: 2025-03-04. Review status: criteria provided, single submitter. Criteria: ACMG Guidelines, 2015. Collection method: clinical testing. Allele origin: germline.

Blueprint Genetics
Classification: Likely benign. Last evaluated: 2024-02-01. Review status: criteria provided, single submitter. Criteria: ACMG Guidelines, 2015. Collection method: clinical testing. Allele origin: germline.

CeGaT Center for Human Genetics Tuebingen
Classification: Likely benign. Last evaluated: 2023-04-01. Review status: criteria provided, single submitter. Criteria: CeGaT Center For Human Genetics Tuebingen Variant Classification Criteria Version 2. Collection method: clinical testing. Allele origin: germline. Affected: yes. Observed: 1 variant allele.
Comment: POLE: BP4, BP7

Department of Pathology and Laboratory Medicine, Sinai Health System
Classification: Likely benign for Polymerase proofreading-related adenomatous polyposis; Familial colorectal cancer type X. Last evaluated: 2022-03-17. Review status: criteria provided, single submitter. Criteria: ACMG Guidelines, 2015. Collection method: clinical testing. Allele origin: germline. Affected: yes.

GeneDx
Classification: Likely benign. Last evaluated: 2021-10-19. Review status: criteria provided, single submitter. Criteria: GeneDx Variant Classification Process June 2021. Collection method: clinical testing. Allele origin: germline. Affected: yes.

Sema4
Classification: Likely benign for Hereditary cancer-predisposing syndrome. Last evaluated: 2021-03-15. Review status: criteria provided, single submitter. Criteria: Sema4 Curation Guidelines. Collection method: curation. Allele origin: germline.

Ambry Genetics
Classification: Likely benign for Hereditary cancer-predisposing syndrome. Last evaluated: 2015-07-29. Review status: criteria provided, single submitter. Criteria: Ambry Variant Classification Scheme 2023. Collection method: clinical testing. Allele origin: germline.

PreventionGenetics, part of Exact Sciences
Classification: Likely benign for POLE-related condition. Last evaluated: 2020-04-13. Review status: no assertion criteria provided. Collection method: clinical testing. Allele origin: germline. Not counted in ClinVar's aggregate classification.
Comment: This variant is classified as likely benign based on ACMG/AMP sequence variant interpretation guidelines (Richards et al. 2015 PMID: 25741868, with internal and published modifications).